The following is an entry in ClinVar:

ClinVar aggregate classification (germline): Likely pathogenic (1 of 4 stars; one submission).

Conditions:
Diabetes insipidus, nephrogenic, X-linked. Also called: Nephrogenic Diabetes Insipidus, Type I. Identifiers: Orphanet 223, MedGen C1563705, MONDO:0010581, OMIM 304800.

Submission:

Center for Human Genetics and Genomic Medicine, Uniklinik Rwth Aachen
Classification: Likely pathogenic for Diabetes insipidus, nephrogenic, X-linked. Last evaluated: 2024-02-28. Review status: criteria provided, single submitter. Criteria: ACMG Guidelines, 2015. Collection method: clinical testing. Allele origin: unknown. Inheritance: X-linked inheritance. Affected: yes. Observed: 1 heterozygote.
Comment: The detected change is not reported in the general population (gnomAD) (as of February 28, 2024). In the literature, the variant has already been classified as causing disease in patients with diabetes insipidus renalis (El-Kares et al., 2009; Wesche, Deen, & Knoers, 2012). Bioinformatic prediction programs predict a pathogenic effect of this change (CADDphred 23.4, PolyPhen2, SIFT). Based on the current state of knowledge, the variant can be classified as a “likely pathogenic variant” (ACMG criteria).

NM_000054.7(AVPR2):c.522G>T (p.Gln174His)

Gene: AVPR2 (arginine vasopressin receptor 2; plus strand). Cytogenetic location: Xq28.
Variant type: single nucleotide variant.
Coding change: c.522G>T on transcript NM_000054.7 (MANE Select); coding-DNA position 522, G replaced by T.
Protein change: p.Gln174His; replaces glutamine 174 with histidine.
Molecular consequence: missense variant. On other transcripts: non-coding transcript variant (1).
Genome position (GRCh38, 1-based): chrX:153,906,028, G>T. VCF-style: chrX-153906028-G-T. GRCh37 (hg19) VCF-style: chrX-153171482-G-T.
Other names: c.522G>T, p.Gln174His (NM_001146151.3); short protein forms Q174H.
Identifiers: ClinVar variation 3027426 (VCV003027426.2), dbSNP rs2521156033, ClinGen allele CA415106847.